The following is an entry in ClinVar:

NM_000344.4(SMN1):c.847A>C (p.Asn283His)

Gene: SMN1 (survival of motor neuron 1, telomeric). Cytogenetic location: 5q13.2.
Variant type: single nucleotide variant.
Coding change: c.847A>C on transcript NM_000344.4 (MANE Select); coding-DNA position 847, A replaced by C.
Protein change: p.Asn283His; replaces asparagine 283 with histidine.
Molecular consequence: missense variant. On other transcripts: intron variant (1).
Genome position (GRCh38, 1-based): chr5:70,951,953, A>C. VCF-style: chr5-70951953-A-C. GRCh37 (hg19) VCF-style: chr5-70247780-A-C.
Other names: c.751A>C, p.Asn251His (NM_022874.2); c.835-486A>C (NM_001297715.1); short protein forms N283H, N251H.
Identifiers: ClinVar variation 632987 (VCV000632987.1), dbSNP rs1561503132, ClinGen allele CA360098196.

ClinVar aggregate classification (germline): Uncertain significance (1 of 4 stars; one submission).

Submission:

Women's Health and Genetics/Laboratory Corporation of America, LabCorp
Classification: Uncertain significance. Last evaluated: 2018-05-31. Review status: criteria provided, single submitter. Criteria: LabCorp Variant Classification Summary - May 2015. Collection method: clinical testing. Allele origin: germline.
Comment: Variant summary: SMN1 c.847A>C (p.Asn283His) results in a conservative amino acid change located in the Survival motor neuron of the encoded protein sequence. Four of five in-silico tools predict a benign effect of the variant on protein function. The variant was absent in 274028 control chromosomes (gnomAD). The available data on variant occurrences in the general population are insufficient to allow any conclusion about variant significance. To our knowledge, no occurrence of c.847A>C in individuals affected with Spinal Muscular Atrophy and no experimental evidence demonstrating its impact on protein function have been reported. No clinical diagnostic laboratories have submitted clinical-significance assessments for this variant to ClinVar after 2014. Based on the evidence outlined above, the variant was classified as uncertain significance.